The following is an entry in ClinVar:

NM_145290.4(ADGRA3):c.3830A>G (p.Gln1277Arg)

Gene: ADGRA3 (adhesion G protein-coupled receptor A3; minus strand). Cytogenetic location: 4p15.2.
Variant type: single nucleotide variant.
Coding change: c.3830A>G on transcript NM_145290.4 (MANE Select); coding-DNA position 3830, A replaced by G.
Protein change: p.Gln1277Arg; replaces glutamine 1277 with arginine.
Molecular consequence: missense variant.
Genome position (GRCh38, 1-based): chr4:22,387,841, T>C on the plus strand (A>G on the coding strand, the complement: ADGRA3 is on the minus strand). VCF-style: chr4-22387841-T-C. GRCh37 (hg19) VCF-style: chr4-22389464-T-C.
Other names: c.3830A>G (NM_145290.2); short protein forms Q1277R.
Identifiers: ClinVar variation 957241 (VCV000957241.9), dbSNP rs142653146, ClinGen allele CA2873289.

ClinVar aggregate classification (germline): Uncertain significance. Review status: criteria provided, multiple submitters, no conflicts (2 of 4 stars). 2 submissions from 2 submitters: Uncertain significance (2). Last evaluated 2025-11-17.

Allele frequency attached by ClinVar (database versions not stated): gnomAD 0.00030 and 0.00032; 1000 Genomes Project 30x 0.00031; ESP Exome Variant Server 0.00031; ExAC 0.00032; gnomAD exomes 0.00035; TOPMed 0.00038; 1000 Genomes Project 0.00040.
gnomAD v4.1: 549 of 1,614,180 alleles (0.034%); highest among the groups gnomAD compares: Middle Eastern, 0.099%; 1 homozygote.

Submissions (2):

Labcorp Genetics (formerly Invitae), Labcorp
Classification: Uncertain significance. Last evaluated: 2025-11-17. Review status: criteria provided, single submitter. Criteria: Invitae Variant Classification Sherloc (09022015). Collection method: clinical testing. Allele origin: germline.
Comment: This sequence change replaces glutamine, which is neutral and polar, with arginine, which is basic and polar, at codon 1277 of the ADGRA3 protein (p.Gln1277Arg). This variant is present in population databases (rs142653146, gnomAD 0.06%), and has an allele count higher than expected for a pathogenic variant. This variant has not been reported in the literature in individuals affected with ADGRA3-related conditions. ClinVar contains an entry for this variant (Variation ID: 957241). An algorithm developed to predict the effect of missense changes on protein structure and function (PolyPhen-2) suggests that this variant is likely to be tolerated. In summary, the available evidence is currently insufficient to determine the role of this variant in disease. Therefore, it has been classified as a Variant of Uncertain Significance.

Ambry Genetics
Classification: Uncertain significance. Last evaluated: 2021-08-23. Review status: criteria provided, single submitter. Criteria: Ambry Variant Classification Scheme 2023. Collection method: clinical testing. Allele origin: germline.